The following is an entry in ClinVar:

ClinVar aggregate classification (germline): Benign. Review status: criteria provided, multiple submitters, no conflicts (2 of 4 stars). 5 submissions from 5 submitters: Benign (5). Last evaluated 2026-05-09.

Conditions:
Metaphyseal chondrodysplasia, Schmid type (MCDS). Also called: SPONDYLOMETAPHYSEAL DYSPLASIA, JAPANESE TYPE. Identifiers: Orphanet 174, MedGen C0265289, MONDO:0007983, OMIM 156500.

Allele frequency attached by ClinVar (database versions not stated): TOPMed 0.04158; ESP Exome Variant Server 0.05136; gnomAD 0.04461 and 0.04519; gnomAD exomes 0.05576 and 0.04358; 1000 Genomes Project 0.02736; 1000 Genomes Project 30x 0.02780; ExAC 0.04402.
gnomAD v4.1: 88,077 of 1,614,142 alleles (5.5%); highest among the groups gnomAD compares: Middle Eastern, 6.5%; 2,694 homozygotes.

Submissions (5):

Women's Health and Genetics/Laboratory Corporation of America, LabCorp
Classification: Benign. Last evaluated: 2026-05-09. Review status: criteria provided, single submitter. Criteria: LabCorp Variant Classification Summary - May 2015. Collection method: clinical testing. Allele origin: germline.

Labcorp Genetics (formerly Invitae), Labcorp
Classification: Benign. Last evaluated: 2026-02-04. Review status: criteria provided, single submitter. Criteria: Invitae Variant Classification Sherloc (09022015). Collection method: clinical testing. Allele origin: germline.

GeneDx
Classification: Benign. Last evaluated: 2018-09-19. Review status: criteria provided, single submitter. Criteria: GeneDx Variant Classification Process June 2021. Collection method: clinical testing. Allele origin: germline. Affected: yes.

Illumina Laboratory Services, Illumina
Classification: Benign for Metaphyseal chondrodysplasia, Schmid type. Last evaluated: 2018-01-13. Review status: criteria provided, single submitter. Criteria: ICSL Variant Classification Criteria 13 December 2019. Collection method: clinical testing. Allele origin: germline.
Comment: This variant was observed in the ICSL laboratory as part of a predisposition screen in an ostensibly healthy population. It had not been previously curated by ICSL or reported in the Human Gene Mutation Database (HGMD: prior to June 1st, 2018), and was therefore a candidate for classification through an automated scoring system. Utilizing variant allele frequency, disease prevalence and penetrance estimates, and inheritance mode, an automated score was calculated to assess if this variant is too frequent to cause the disease. Based on the score and internal cut-off values, a variant classified as benign is not then subjected to further curation. The score for this variant resulted in a classification of benign for this disease.

PreventionGenetics, part of Exact Sciences
Classification: Benign. Review status: criteria provided, single submitter. Criteria: ACMG Guidelines, 2015. Collection method: clinical testing. Allele origin: germline.

NM_000493.4(COL10A1):c.1809G>C (p.Val603=)

Genes: COL10A1 (collagen type X alpha 1 chain; minus strand), NT5DC1 (5'-nucleotidase domain containing 1; plus strand). Cytogenetic location: 6q22.1.
Variant type: single nucleotide variant.
Coding change: c.1809G>C on transcript NM_000493.4 (MANE Select); coding-DNA position 1809, G replaced by C.
Protein change: p.Val603=; no amino-acid change (valine 603 retained).
Molecular consequence: synonymous variant. On other transcripts: intron variant (1).
Genome position (GRCh38, 1-based): chr6:116,120,307, C>G on the plus strand (G>C on the coding strand, the complement: COL10A1 is on the minus strand). VCF-style: chr6-116120307-C-G. GRCh37 (hg19) VCF-style: chr6-116441470-C-G.
Other names: c.1809G>C, p.Val603= (NM_001424106.1, NM_001424107.1); c.529+2362C>G (NM_152729.3).
Identifiers: ClinVar variation 256261 (VCV000256261.16), dbSNP rs2228548, ClinGen allele CA3968111.